The following is an entry in ClinVar:

ClinVar aggregate classification (germline): Uncertain significance (1 of 4 stars; one submission).

Submission:

GeneDx
Classification: Uncertain significance. Last evaluated: 2026-08-19. Review status: criteria provided, single submitter. Criteria: GeneDx Variant Classification Process June 2021. Collection method: clinical testing. Allele origin: germline.
Comment: Not observed at significant frequency in large population cohorts (gnomAD); Has not been previously published as pathogenic or benign to our knowledge; In silico analysis suggests this variant may impact gene splicing. In the absence of RNA/functional studies, the actual effect of this sequence change is unknown.

NM_020631.6(PLEKHG5):c.440-11C>G

Gene: PLEKHG5 (pleckstrin homology and RhoGEF domain containing G5; minus strand). Cytogenetic location: 1p36.31.
Variant type: single nucleotide variant.
Coding change: c.440-11C>G on transcript NM_020631.6 (MANE Select); 11 bases into the intron before coding-DNA position 440, C replaced by G.
Molecular consequence: intron variant.
Genome position (GRCh38, 1-based): chr1:6,474,175, G>C on the plus strand (C>G on the coding strand, the complement: PLEKHG5 is on the minus strand). VCF-style: chr1-6474175-G-C. GRCh37 (hg19) VCF-style: chr1-6534235-G-C.
Other names: c.440-11C>G (NM_198681.4, NM_001265594.3, NM_001042664.2 and 1 more transcripts); c.551-11C>G (NM_001042663.3, NM_001265592.2); c.647-11C>G (NM_001265593.2).
Identifiers: ClinVar variation 3362066 (VCV003362066.2).